The following is an entry in ClinVar:

NC_000001.11:g.(?_156137634)_(156139126_?)del

Gene: LMNA (lamin A/C; plus strand). Cytogenetic location: 1q22.
Variant type: Deletion.
Identifiers: ClinVar variation 584142 (VCV000584142.7).

ClinVar aggregate classification (germline): Likely pathogenic (1 of 4 stars; one submission).

Conditions:
Charcot-Marie-Tooth disease type 2. Also called: Charcot-Marie-Tooth type 2. Identifiers: Orphanet 64746, MedGen C0270914, MONDO:0018993.

Submission:

Labcorp Genetics (formerly Invitae), Labcorp
Classification: Likely pathogenic for Charcot-Marie-Tooth disease type 2. Last evaluated: 2018-02-08. Review status: criteria provided, single submitter. Criteria: Invitae Variant Classification Sherloc (09022015). Collection method: clinical testing. Allele origin: germline.
Comment: This variant is a gross deletion of the genomic region encompassing exons 10 to 12 of the LMNA gene. The 5' boundary is likely confined to intron 10. The 3' end of this event is unknown as it extends through the termination codon beyond the assayed region for this gene and may encompass additional genes. While this deletion is not anticipated to result in nonsense mediated decay, it is expected to create a truncated protein product or disrupt mRNA translation. This deletion has not been reported in the literature in individuals affected with LMNA-related conditions. Missense substitutions of residue p.Arg541 in exon 10, within the region deleted by this variant , have been determined to be pathogenic (PMID: PMID:14675861, 14684700, 18646565,24623722, 22186027).¬† This suggests that deletion of this region of the LMNA protein is causative of disease. In summary, the currently available evidence indicates that the variant is pathogenic, but additional data are needed to prove that conclusively. Therefore, this variant has been classified as Likely Pathogenic.

Literature cited by the submitters: PubMed 14675861; PubMed 14684700; PubMed 18646565; PubMed 24623722; PubMed 22186027.